The following is an entry in ClinVar:

NM_016169.4(SUFU):c.275G>A (p.Ser92Asn)

Gene: SUFU (SUFU negative regulator of hedgehog signaling; plus strand). Cytogenetic location: 10q24.32.
Variant type: single nucleotide variant.
Coding change: c.275G>A on transcript NM_016169.4 (MANE Select); coding-DNA position 275, G replaced by A.
Protein change: p.Ser92Asn; replaces serine 92 with asparagine.
Molecular consequence: missense variant.
Genome position (GRCh38, 1-based): chr10:102,509,261, G>A. VCF-style: chr10-102509261-G-A. GRCh37 (hg19) VCF-style: chr10-104269018-G-A.
Other names: c.275G>A, p.Ser92Asn (NM_001178133.2); short protein forms S92N.
Identifiers: ClinVar variation 4177544 (VCV004177544.1).
Genomic context (GRCh38, chr10:102,509,261, plus strand): 5'-GCATGTACAGGAATGTGGGGAGCCCTTCTGCTAACATCCCCGAGCACTGGCACTACATCA[G>A]CTTCGGCCTGAGTGATCTCTATGGTGACAACAGAGTCCATGAGTGAGTATATGCCACCTG-3'
Protein context (NP_057253.2, residues 82-102): ANIPEHWHYI[Ser92Asn]FGLSDLYGDN

ClinVar aggregate classification (germline): Uncertain significance (1 of 4 stars; one submission).

Conditions:
Hereditary cancer-predisposing syndrome. Also called: Neoplastic Syndromes, Hereditary; Tumor predisposition; Hereditary Cancer Syndrome; Hereditary neoplastic syndrome. Identifiers: Orphanet 140162, MedGen C0027672, MeSH D009386, MONDO:0015356.

Submission:

Ambry Genetics
Classification: Uncertain significance for Hereditary cancer-predisposing syndrome. Last evaluated: 2025-07-28. Review status: criteria provided, single submitter. Criteria: Ambry Variant Classification Scheme 2023. Collection method: clinical testing. Allele origin: germline.
Comment: The p.S92N variant (also known as c.275G>A), located in coding exon 2 of the SUFU gene, results from a G to A substitution at nucleotide position 275. The serine at codon 92 is replaced by asparagine, an amino acid with highly similar properties. This amino acid position is conserved. In addition, the in silico prediction for this alteration is inconclusive. Based on the available evidence, the clinical significance of this variant remains unclear.